The following is an entry in ClinVar:

NM_000094.4(COL7A1):c.5630G>A (p.Arg1877His)

Gene: COL7A1 (collagen type VII alpha 1 chain; minus strand). Cytogenetic location: 3p21.31.
Variant type: single nucleotide variant.
Coding change: c.5630G>A on transcript NM_000094.4 (MANE Select); coding-DNA position 5630, G replaced by A.
Protein change: p.Arg1877His; replaces arginine 1877 with histidine.
Molecular consequence: missense variant.
Genome position (GRCh38, 1-based): chr3:48,576,746, C>T on the plus strand (G>A on the coding strand, the complement: COL7A1 is on the minus strand). VCF-style: chr3-48576746-C-T. GRCh37 (hg19) VCF-style: chr3-48614179-C-T.
Other names: short protein forms R1877H.
Identifiers: ClinVar variation 2445850 (VCV002445850.2), dbSNP rs1458059470, ClinGen allele CA352668265.

ClinVar aggregate classification (germline): Uncertain significance (1 of 4 stars; one submission).

Allele frequency attached by ClinVar (database versions not stated): TOPMed below 0.00001; gnomAD 0.00001; gnomAD exomes 0.00002.
gnomAD v4.1: 30 of 1,612,482 alleles (0.0019%); highest among the groups gnomAD compares: Middle Eastern, 0.033%; no homozygotes.

Submission:

Women's Health and Genetics/Laboratory Corporation of America, LabCorp
Classification: Uncertain significance. Last evaluated: 2024-01-12. Review status: criteria provided, single submitter. Criteria: LabCorp Variant Classification Summary - May 2015. Collection method: clinical testing. Allele origin: germline.
Comment: Variant summary: COL7A1 c.5630G>A (p.Arg1877His) results in a non-conservative amino acid change in the encoded protein sequence. Five of five in-silico tools predict a damaging effect of the variant on protein function. The variant allele was found at a frequency of 1.6e-05 in 246018 control chromosomes. The available data on variant occurrences in the general population are insufficient to allow any conclusion about variant significance. To our knowledge, no occurrence of c.5630G>A in individuals affected with Dystrophic Epidermolysis Bullosa, Recessive and no experimental evidence demonstrating its impact on protein function have been reported. ClinVar contains an entry for this variant (Variation ID: 2445850). Based on the evidence outlined above, the variant was classified as uncertain significance.